The following is an entry in ClinVar:

NM_001377.3(DYNC2H1):c.954A>C (p.Lys318Asn)

Gene: DYNC2H1 (dynein cytoplasmic 2 heavy chain 1; plus strand). Cytogenetic location: 11q22.3.
Variant type: single nucleotide variant.
Coding change: c.954A>C on transcript NM_001377.3 (MANE Select); coding-DNA position 954, A replaced by C.
Protein change: p.Lys318Asn; replaces lysine 318 with asparagine.
Molecular consequence: missense variant.
Genome position (GRCh38, 1-based): chr11:103,117,818, A>C. VCF-style: chr11-103117818-A-C. GRCh37 (hg19) VCF-style: chr11-102988547-A-C.
Other names: c.954A>C (NM_001080463.1); c.954A>C, p.Lys318Asn (NM_001080463.2); short protein forms K318N.
Identifiers: ClinVar variation 3013634 (VCV003013634.4), dbSNP rs778594253, ClinGen allele CA6252638.

ClinVar aggregate classification (germline): Uncertain significance. Review status: criteria provided, multiple submitters, no conflicts (2 of 4 stars). 2 submissions from 2 submitters: Uncertain significance (2). Last evaluated 2025-09-11.

Conditions:
Inborn genetic diseases. Identifiers: MedGen C0950123, MeSH D030342.
Jeune thoracic dystrophy. Also called: Jeune syndrome; Infantile thoracic dystrophy; Thoracic pelvic phalangeal dystrophy; Jeune's syndrome; Chondroectodermal dysplasia-like syndrome; Short-rib thoracic dysplasia. Identifiers: Orphanet 474, MedGen C0265275, MONDO:0018770.

Allele frequency attached by ClinVar (database versions not stated): ExAC 0.00001.
gnomAD v4.1: 4 of 1,613,012 alleles (0.00025%); highest among the groups gnomAD compares: Non-Finnish European, 0.00034%; no homozygotes.

Submissions (2):

Ambry Genetics
Classification: Uncertain significance for Inborn genetic diseases. Last evaluated: 2025-09-11. Review status: criteria provided, single submitter. Criteria: Ambry Variant Classification Scheme 2023. Collection method: clinical testing. Allele origin: germline.

Labcorp Genetics (formerly Invitae), Labcorp
Classification: Uncertain significance for Jeune thoracic dystrophy. Last evaluated: 2024-09-20. Review status: criteria provided, single submitter. Criteria: Invitae Variant Classification Sherloc (09022015). Collection method: clinical testing. Allele origin: germline.
Comment: This sequence change replaces lysine, which is basic and polar, with asparagine, which is neutral and polar, at codon 318 of the DYNC2H1 protein (p.Lys318Asn). This variant is present in population databases (rs778594253, gnomAD 0.0009%). This variant has not been reported in the literature in individuals affected with DYNC2H1-related conditions. Invitae Evidence Modeling of protein sequence and biophysical properties (such as structural, functional, and spatial information, amino acid conservation, physicochemical variation, residue mobility, and thermodynamic stability) indicates that this missense variant is not expected to disrupt DYNC2H1 protein function with a negative predictive value of 95%. In summary, the available evidence is currently insufficient to determine the role of this variant in disease. Therefore, it has been classified as a Variant of Uncertain Significance.